The following is an entry in ClinVar:

NM_002109.6(HARS1):c.1512G>T (p.Gln504His)

Gene: HARS1 (histidyl-tRNA synthetase 1; minus strand). Cytogenetic location: 5q31.3.
Variant type: single nucleotide variant.
Coding change: c.1512G>T on transcript NM_002109.6 (MANE Select); coding-DNA position 1512, G replaced by T.
Protein change: p.Gln504His; replaces glutamine 504 with histidine.
Molecular consequence: missense variant.
Genome position (GRCh38, 1-based): chr5:140,674,275, C>A on the plus strand (G>T on the coding strand, the complement: HARS1 is on the minus strand). VCF-style: chr5-140674275-C-A. GRCh37 (hg19) VCF-style: chr5-140053860-C-A.
Other names: c.1392G>T, p.Gln464His (NM_001258040.3); c.1452G>T, p.Gln484His (NM_001258041.3); c.1332G>T, p.Gln444His (NM_001258042.3); c.1290G>T, p.Gln430His (NM_001289092.2); c.1170G>T, p.Gln390His (NM_001289093.2); c.1425G>T, p.Gln475His (NM_001289094.2); c.1512G>T (NM_002109.5); short protein forms Q390H, Q430H, Q444H, Q464H, Q475H, Q484H, Q504H.
Identifiers: ClinVar variation 1799885 (VCV001799885.6), dbSNP rs368813043, ClinGen allele CA3443795.

ClinVar aggregate classification (germline): Uncertain significance. Review status: criteria provided, multiple submitters, no conflicts (2 of 4 stars). 3 submissions from 3 submitters: Uncertain significance (3). Last evaluated 2025-04-03.

Conditions:
HARS1-related disorder. Also called: HARS1-related condition.
Usher syndrome type 3B. Also called: USHER SYNDROME, TYPE IIIB. Identifiers: MedGen C3281066, MONDO:0013788, OMIM 614504.

Allele frequency attached by ClinVar (database versions not stated): ExAC 0.00001; gnomAD 0.00001; TOPMed 0.00002; ESP Exome Variant Server 0.00008.
gnomAD v4.1: 2 of 1,609,934 alleles (0.00012%); highest among the groups gnomAD compares: African/African-American, 0.0027%; no homozygotes.

Submissions (3):

PreventionGenetics, part of Exact Sciences
Classification: Uncertain significance for HARS1-related condition. Last evaluated: 2025-04-03. Review status: criteria provided, single submitter. Criteria: ACMG Guidelines, 2015. Collection method: clinical testing. Allele origin: germline.
Comment: The HARS1 c.1512G>T variant is predicted to result in the amino acid substitution p.Gln504His. To our knowledge, this variant has not been reported in the literature. This variant is reported in 0.0062% of alleles in individuals of African descent in gnomAD. At this time, the clinical significance of this variant is uncertain due to the absence of conclusive functional and genetic evidence.

Labcorp Genetics (formerly Invitae), Labcorp
Classification: Uncertain significance for Usher syndrome type 3B. Last evaluated: 2023-11-19. Review status: criteria provided, single submitter. Criteria: Invitae Variant Classification Sherloc (09022015). Collection method: clinical testing. Allele origin: germline.
Comment: This sequence change replaces glutamine, which is neutral and polar, with histidine, which is basic and polar, at codon 504 of the HARS protein (p.Gln504His). This variant is present in population databases (rs368813043, gnomAD 0.007%). This variant has not been reported in the literature in individuals affected with HARS-related conditions. ClinVar contains an entry for this variant (Variation ID: 1799885). An algorithm developed to predict the effect of missense changes on protein structure and function (PolyPhen-2) suggests that this variant is likely to be tolerated. In summary, the available evidence is currently insufficient to determine the role of this variant in disease. Therefore, it has been classified as a Variant of Uncertain Significance.

Ambry Genetics
Classification: Uncertain significance. Last evaluated: 2021-04-23. Review status: criteria provided, single submitter. Criteria: Ambry Variant Classification Scheme 2023. Collection method: clinical testing. Allele origin: germline.
Comment: The p.Q504H variant (also known as c.1512G>T), located in coding exon 13 of the HARS gene, results from a G to T substitution at nucleotide position 1512. The glutamine at codon 504 is replaced by histidine, an amino acid with highly similar properties. This amino acid position is well conserved in available vertebrate species. In addition, this alteration is predicted to be tolerated by in silico analysis. Since supporting evidence is limited at this time, the clinical significance of this alteration remains unclear.